The following is an entry in ClinVar:

NM_000492.4(CFTR):c.1584+4A>T

Genes: CFTR (CF transmembrane conductance regulator; plus strand), CFTR-AS1 (CFTR antisense RNA 1; minus strand). Cytogenetic location: 7q31.2.
Variant type: single nucleotide variant.
Coding change: c.1584+4A>T on transcript NM_000492.4 (MANE Select); 4 bases into the intron after coding-DNA position 1584, A replaced by T.
Molecular consequence: intron variant.
Genome position (GRCh38, 1-based): chr7:117,559,659, A>T. VCF-style: chr7-117559659-A-T. GRCh37 (hg19) VCF-style: chr7-117199713-A-T.
Identifiers: ClinVar variation 550045 (VCV000550045.3), dbSNP rs953352440, ClinGen allele CA658821281.

ClinVar aggregate classification (germline): Uncertain significance. Review status: criteria provided, single submitter (1 of 4 stars). 2 submissions from 2 submitters: Uncertain significance (1). 1 of the submissions does not count toward it. Last evaluated 2025-05-02.

Conditions:
Cystic fibrosis (CF). Also called: MUCOVISCIDOSIS. Identifiers: Orphanet 586, MedGen C0010674, MONDO:0009061, OMIM 219700. Disease mechanism: loss of function.

Submissions (2):

Women's Health and Genetics/Laboratory Corporation of America, LabCorp
Classification: Uncertain significance. Last evaluated: 2025-05-02. Review status: criteria provided, single submitter. Criteria: LabCorp Variant Classification Summary - May 2015. Collection method: clinical testing. Allele origin: germline.
Comment: Variant summary: CFTR c.1584+4A>T alters a conserved nucleotide located close to a canonical splice site and therefore could affect mRNA splicing, leading to a significantly altered protein sequence. Several computational tools predict a significant impact on normal splicing: Two predict the variant weakens a canonical 5' donor site. One predict the variant abolishes a canonical 5' splicing donor site. However, these predictions have yet to be confirmed by functional studies. The frequency data for this variant in gnomAD is considered unreliable, as metrics indicate poor data quality at this position. To our knowledge, no occurrence of c.1584+4A>T in individuals affected with Cystic Fibrosis and no experimental evidence demonstrating its impact on protein function have been reported. ClinVar contains an entry for this variant (Variation ID: 550045). Based on the evidence outlined above, the variant was classified as uncertain significance.

Counsyl
Classification: Uncertain significance for Cystic fibrosis. Last evaluated: 2017-04-21. Review status: no assertion criteria provided. Collection method: clinical testing. Allele origin: unknown. Not counted in ClinVar's aggregate classification.